The following is an entry in ClinVar:

ClinVar aggregate classification (germline): Uncertain significance (1 of 4 stars; one submission).

Submission:

Women's Health and Genetics/Laboratory Corporation of America, LabCorp
Classification: Uncertain significance. Last evaluated: 2025-11-10. Review status: criteria provided, single submitter. Criteria: LabCorp Variant Classification Summary - May 2015. Collection method: clinical testing. Allele origin: germline.
Comment: Variant summary: The variant involves the duplication of exons 2-37 in the ELP1 gene. This duplication includes the entire coding sequence of the gene. As exact breakpoints are unknown, it may extend beyond the annotated region of the gene, to include other flanking genes. A presumed nomenclature of c.(-56+1_-55-1)_(*1599_?)dup has been designated for the purposes of this classification. A large duplication that includes the whole coding sequence of the ELP1 gene was found at a frequency of 4.3e-06 in 462883 control chromosomes in the gnomAD database (CNVs v4.1 dataset). The available data on variant occurrences in the general population are insufficient to allow any conclusion about variant significance. To our knowledge, no occurrence of c.(-56+1_-55-1)_(*1599_?)dup in individuals affected with ELP1-related conditions and no experimental evidence demonstrating its impact on protein function have been reported. No submitters have cited clinical-significance assessments for this variant to ClinVar. Based on the evidence outlined above, the variant was classified as uncertain significance.

NC_000009.11:g.(?_111629796)_(111693482_111696143)dup

Gene: ELP1 (elongator acetyltransferase complex subunit 1; minus strand). Cytogenetic location: 9q31.3.
Variant type: Duplication.
Identifiers: ClinVar variation 4536927 (VCV004536927.1).